The following is an entry in ClinVar:

ClinVar aggregate classification (germline): Likely benign (1 of 4 stars; one submission).

gnomAD v4.1: 56 of 1,602,496 alleles (0.0035%); highest among the groups gnomAD compares: Admixed American, 0.01%; no homozygotes.

Submission:

CeGaT Center for Human Genetics Tuebingen
Classification: Likely benign. Last evaluated: 2026-02-01. Review status: criteria provided, single submitter. Criteria: CeGaT Center For Human Genetics Tuebingen Variant Classification Criteria Version 2. Collection method: clinical testing. Allele origin: germline. Affected: yes. Observed: 1 variant allele.
Comment: PPFIBP1: BP4, BP7

NM_003622.4(PPFIBP1):c.513T>C (p.Asp171=)

Gene: PPFIBP1 (PPFIB scaffold protein 1; plus strand). Cytogenetic location: 12p11.22.
Variant type: single nucleotide variant.
Coding change: c.513T>C on transcript NM_003622.4 (MANE Select); coding-DNA position 513, T replaced by C.
Protein change: p.Asp171=; no amino-acid change (aspartic acid 171 retained).
Molecular consequence: synonymous variant.
Genome position (GRCh38, 1-based): chr12:27,650,051, T>C. VCF-style: chr12-27650051-T-C. GRCh37 (hg19) VCF-style: chr12-27802984-T-C.
Other names: c.54T>C, p.Asp18= (NM_001198915.2); c.513T>C, p.Asp171= (NM_001198916.2, NM_177444.3).
Identifiers: ClinVar variation 4821599 (VCV004821599.4).